The following is an entry in ClinVar:

NM_000812.4(GABRB1):c.911A>G (p.Lys304Arg)

Gene: GABRB1 (gamma-aminobutyric acid type A receptor subunit beta1; plus strand). Cytogenetic location: 4p12.
Variant type: single nucleotide variant.
Coding change: c.911A>G on transcript NM_000812.4 (MANE Select); coding-DNA position 911, A replaced by G.
Protein change: p.Lys304Arg; replaces lysine 304 with arginine.
Molecular consequence: missense variant.
Genome position (GRCh38, 1-based): chr4:47,406,757, A>G. VCF-style: chr4-47406757-A-G. GRCh37 (hg19) VCF-style: chr4-47408774-A-G.
Other names: short protein forms K304R.
Identifiers: ClinVar variation 4713365 (VCV004713365.1).

ClinVar aggregate classification (germline): Uncertain significance (1 of 4 stars; one submission).

Submission:

Labcorp Genetics (formerly Invitae), Labcorp
Classification: Uncertain significance. Last evaluated: 2025-08-03. Review status: criteria provided, single submitter. Criteria: Invitae Variant Classification Sherloc (09022015). Collection method: clinical testing. Allele origin: germline.
Comment: This sequence change replaces lysine, which is basic and polar, with arginine, which is basic and polar, at codon 304 of the GABRB1 protein (p.Lys304Arg). This variant is not present in population databases (gnomAD no frequency). This variant has not been reported in the literature in individuals affected with GABRB1-related conditions. Invitae Evidence Modeling of protein sequence and biophysical properties (such as structural, functional, and spatial information, amino acid conservation, physicochemical variation, residue mobility, and thermodynamic stability) indicates that this missense variant is not expected to disrupt GABRB1 protein function with a negative predictive value of 80%. In summary, the available evidence is currently insufficient to determine the role of this variant in disease. Therefore, it has been classified as a Variant of Uncertain Significance.